The following is an entry in ClinVar:

ClinVar aggregate classification (germline): Uncertain significance. Review status: criteria provided, multiple submitters, no conflicts (2 of 4 stars). 2 submissions from 2 submitters: Uncertain significance (2). Last evaluated 2025-04-20.

Conditions:
Hereditary cancer-predisposing syndrome. Also called: Hereditary neoplastic syndrome; Neoplastic Syndromes, Hereditary; Tumor predisposition; Hereditary Cancer Syndrome. Identifiers: Orphanet 140162, MedGen C0027672, MeSH D009386, MONDO:0015356.

Submissions (2):

Labcorp Genetics (formerly Invitae), Labcorp
Classification: Uncertain significance. Last evaluated: 2025-04-20. Review status: criteria provided, single submitter. Criteria: Invitae Variant Classification Sherloc (09022015). Collection method: clinical testing. Allele origin: germline.
Comment: This sequence change replaces glycine, which is neutral and non-polar, with aspartic acid, which is acidic and polar, at codon 4 of the HOXB13 protein (p.Gly4Asp). This variant is not present in population databases (gnomAD no frequency). This variant has not been reported in the literature in individuals affected with HOXB13-related conditions. An algorithm developed to predict the effect of missense changes on protein structure and function (PolyPhen-2) suggests that this variant is likely to be tolerated. In summary, the available evidence is currently insufficient to determine the role of this variant in disease. Therefore, it has been classified as a Variant of Uncertain Significance.

Ambry Genetics
Classification: Uncertain significance for Hereditary cancer-predisposing syndrome. Last evaluated: 2025-03-10. Review status: criteria provided, single submitter. Criteria: Ambry Variant Classification Scheme 2023. Collection method: clinical testing. Allele origin: germline.
Comment: The p.G4D variant (also known as c.11G>A), located in coding exon 1 of the HOXB13 gene, results from a G to A substitution at nucleotide position 11. The glycine at codon 4 is replaced by aspartic acid, an amino acid with similar properties. This amino acid position is conserved. In addition, the in silico prediction for this alteration is inconclusive. Based on the available evidence, the clinical significance of this variant remains unclear.

NM_006361.6(HOXB13):c.11G>A (p.Gly4Asp)

Gene: HOXB13 (homeobox B13; minus strand). Cytogenetic location: 17q21.32.
Variant type: single nucleotide variant.
Coding change: c.11G>A on transcript NM_006361.6 (MANE Select); coding-DNA position 11, G replaced by A.
Protein change: p.Gly4Asp; replaces glycine 4 with aspartic acid.
Molecular consequence: missense variant.
Genome position (GRCh38, 1-based): chr17:48,728,583, C>T on the plus strand (G>A on the coding strand, the complement: HOXB13 is on the minus strand). VCF-style: chr17-48728583-C-T. GRCh37 (hg19) VCF-style: chr17-46805945-C-T.
Other names: short protein forms G4D.
Identifiers: ClinVar variation 3858417 (VCV003858417.2).